The following is an entry in ClinVar:

ClinVar aggregate classification (germline): Uncertain significance (1 of 4 stars; one submission).

Conditions:
Wolfram syndrome 1 (WFS1). Identifiers: Orphanet 3463, MedGen C4551693, MONDO:0009101, OMIM 222300.

gnomAD v4.1: 35 of 1,611,332 alleles (0.0022%); highest among the groups gnomAD compares: Non-Finnish European, 0.003%; no homozygotes.

Submission:

Victorian Clinical Genetics Services, Murdoch Childrens Research Institute
Classification: Uncertain significance for Wolfram syndrome 1. Last evaluated: 2020-05-26. Review status: criteria provided, single submitter. Criteria: ACMG Guidelines, 2015. Collection method: clinical testing. Allele origin: germline. Affected: yes.
Comment: Based on the classification scheme VCGS_Germline_v1.1.1, this variant is classified as 3C-VUS. Following criteria are met: 0102 - Loss-of-function is a known mechanism of disease for this gene. (N) 0108 - This gene is known to be associated with both recessive and dominant disease (OMIM). (N) 0200 - Variant is predicted to result in a missense amino acid change from histidine to glutamine (exon 8). (N) 0251 - Variant is heterozygous. (N) 0304 - Variant is present in gnomAD <0.01 for a recessive condition (2 heterozygotes, 0 homozygotes). (P) 0309 - An alternative amino acid change at the same position has been observed in gnomAD (1 heterozygote, 0 homozygotes). (N) 0503 - Missense variant consistently predicted to be tolerated or not conserved in mammals with a minor amino acid change. (B) 0604 - Variant is not located in an established domain, motif, hotspot or informative constraint region. (N) 0705 - No comparable variants have previous evidence for pathogenicity. (N) 0807 - Variant has not previously been reported in a clinical context. (N) 0905 - No segregation evidence has been identified for this variant. (N) 1007 - No published functional evidence has been identified for this variant. (N) 1208 - Inheritance information for this variant is not currently available. (N) Legend: (P) - Pathogenic, (N) - Neutral, (B) - Benign

NM_006005.3(WFS1):c.1485C>G (p.His495Gln)

Gene: WFS1 (wolframin ER transmembrane glycoprotein; plus strand). Cytogenetic location: 4p16.1.
Variant type: single nucleotide variant.
Coding change: c.1485C>G on transcript NM_006005.3 (MANE Select); coding-DNA position 1485, C replaced by G.
Protein change: p.His495Gln; replaces histidine 495 with glutamine.
Molecular consequence: missense variant.
Genome position (GRCh38, 1-based): chr4:6,301,280, C>G. VCF-style: chr4-6301280-C-G. GRCh37 (hg19) VCF-style: chr4-6303007-C-G.
Other names: c.1485C>G, p.His495Gln (NM_001145853.1); short protein forms H495Q.
Identifiers: ClinVar variation 3377468 (VCV003377468.1).